The following is an entry in ClinVar:

NM_000083.3(CLCN1):c.1726T>G (p.Ser576Ala)

Gene: CLCN1 (chloride voltage-gated channel 1; plus strand). Cytogenetic location: 7q34.
Variant type: single nucleotide variant.
Coding change: c.1726T>G on transcript NM_000083.3 (MANE Select); coding-DNA position 1726, T replaced by G.
Protein change: p.Ser576Ala; replaces serine 576 with alanine.
Molecular consequence: missense variant. On other transcripts: non-coding transcript variant (1).
Genome position (GRCh38, 1-based): chr7:143,342,072, T>G. VCF-style: chr7-143342072-T-G. GRCh37 (hg19) VCF-style: chr7-143039165-T-G.
Other names: short protein forms S576A.
Identifiers: ClinVar variation 953331 (VCV000953331.9), dbSNP rs1161052414, ClinGen allele CA369646643.

ClinVar aggregate classification (germline): Uncertain significance (1 of 4 stars; one submission).

Conditions:
Congenital myotonia, autosomal dominant form (THD). Also called: THOMSEN DISEASE; Myotonia congenita autosomal dominant. Identifiers: Orphanet 614, MedGen C2936781, MONDO:0008055, OMIM 160800.
Congenital myotonia, autosomal recessive form. Also called: BECKER DISEASE; Becker Generalized Myotonia; myotonia congenita, autosomal recessive. Identifiers: Orphanet 614, MedGen C0751360, MONDO:0009715, OMIM 255700.

Allele frequency attached by ClinVar (database versions not stated): gnomAD exomes below 0.00001; gnomAD 0.00001.
gnomAD v4.1: 1 of 1,614,008 alleles (0.000062%); highest among the groups gnomAD compares: African/African-American, 0.0013%; no homozygotes.

Submission:

Labcorp Genetics (formerly Invitae), Labcorp
Classification: Uncertain significance for Congenital myotonia, autosomal recessive form; Congenital myotonia, autosomal dominant form. Last evaluated: 2022-02-03. Review status: criteria provided, single submitter. Criteria: Invitae Variant Classification Sherloc (09022015). Collection method: clinical testing. Allele origin: germline.
Comment: This sequence change replaces serine, which is neutral and polar, with alanine, which is neutral and non-polar, at codon 576 of the CLCN1 protein (p.Ser576Ala). This variant is present in population databases (no rsID available, gnomAD 0.007%). This variant has not been reported in the literature in individuals affected with CLCN1-related conditions. ClinVar contains an entry for this variant (Variation ID: 953331). Advanced modeling of protein sequence and biophysical properties (such as structural, functional, and spatial information, amino acid conservation, physicochemical variation, residue mobility, and thermodynamic stability) performed at Invitae indicates that this missense variant is expected to disrupt CLCN1 protein function. In summary, the available evidence is currently insufficient to determine the role of this variant in disease. Therefore, it has been classified as a Variant of Uncertain Significance.